The following is an entry in ClinVar:

ClinVar aggregate classification (germline): Benign/Likely benign. Review status: criteria provided, multiple submitters, no conflicts (2 of 4 stars). 16 submissions from 15 submitters: Benign (4); Likely benign (7). 5 of the submissions do not count toward it. Last evaluated 2026-06-01.

Conditions:
SYNE1-related disorder. Also called: SYNE1-related disorders; SYNE1-related disease; SYNE1-related condition.
Autosomal recessive ataxia, Beauce type. Also called: SYNE1-Related Autosomal Recessive Cerebellar Ataxia; ATAXIA, RECESSIVE, OF BEAUCE; SYNE1 Deficiency; Spinocerebellar ataxia, autosomal recessive 8. Identifiers: Orphanet 88644, MedGen C1853116, MONDO:0012549, OMIM 610743.
Emery-Dreifuss muscular dystrophy 4, autosomal dominant (EDMD4). Also called: EMERY-DREIFUSS MUSCULAR DYSTROPHY 4 WITH VARIABLE FEATURES. Identifiers: Orphanet 261, MedGen C2751807, MONDO:0013071, OMIM 612998.

Allele frequency attached by ClinVar (database versions not stated): 1000 Genomes Project 30x 0.00078; 1000 Genomes Project 0.00100; gnomAD exomes 0.00247 and 0.00372; TOPMed 0.00247; gnomAD 0.00261 and 0.00275; ExAC 0.00282; ESP Exome Variant Server 0.00308.
gnomAD v4.1: 5,859 of 1,614,086 alleles (0.36%); highest among the groups gnomAD compares: Non-Finnish European, 0.44%; 8 homozygotes.

Submissions (18):

CeGaT Center for Human Genetics Tuebingen
Classification: Likely benign. Last evaluated: 2026-06-01. Review status: criteria provided, single submitter. Criteria: CeGaT Center For Human Genetics Tuebingen Variant Classification Criteria Version 2. Collection method: clinical testing. Allele origin: germline. Affected: yes. Observed: 19 variant alleles.
Comment: SYNE1: BP4, BS2

Labcorp Genetics (formerly Invitae), Labcorp
Classification: Likely benign for Emery-Dreifuss muscular dystrophy 4, autosomal dominant; Autosomal recessive ataxia, Beauce type. Last evaluated: 2025-12-27. Review status: criteria provided, single submitter. Criteria: Invitae Variant Classification Sherloc (09022015). Collection method: clinical testing. Allele origin: germline.

Blueprint Genetics
Classification: Likely benign. Last evaluated: 2024-11-25. Review status: criteria provided, single submitter. Criteria: ACMG Guidelines, 2015. Collection method: clinical testing. Allele origin: germline.

Mayo Clinic Laboratories, Mayo Clinic
Classification: Benign. Last evaluated: 2024-08-23. Review status: criteria provided, single submitter. Criteria: ACMG Guidelines, 2015. Collection method: clinical testing. Allele origin: germline. Observed: 5 variant alleles.

Women's Health and Genetics/Laboratory Corporation of America, LabCorp
Classification: Likely benign. Last evaluated: 2022-11-09. Review status: criteria provided, single submitter. Criteria: LabCorp Variant Classification Summary - May 2015. Collection method: clinical testing. Allele origin: germline.

GeneDx
Classification: Likely benign. Last evaluated: 2020-12-07. Review status: criteria provided, single submitter. Criteria: GeneDx Variant Classification Process June 2021. Collection method: clinical testing. Allele origin: germline. Affected: yes.
Comment: This variant is associated with the following publications: (PMID: 29915382)

Genetic Services Laboratory, University of Chicago
Classification: Likely benign. Last evaluated: 2019-08-07. Review status: criteria provided, single submitter. Criteria: ACMG Guidelines, 2015. Collection method: clinical testing. Allele origin: germline. Affected: no.

Athena Diagnostics
Classification: Benign. Last evaluated: 2019-04-11. Review status: criteria provided, single submitter. Criteria: Athena Diagnostics Criteria. Collection method: clinical testing. Allele origin: germline.

Illumina Laboratory Services, Illumina
Classification: Likely benign for Autosomal recessive ataxia, Beauce type. Last evaluated: 2018-01-12. Review status: criteria provided, single submitter. Criteria: ICSL Variant Classification Criteria 13 December 2019. Collection method: clinical testing. Allele origin: germline.
Comment: This variant was observed in the ICSL laboratory as part of a predisposition screen in an ostensibly healthy population. It had not been previously curated by ICSL or reported in the Human Gene Mutation Database (HGMD: prior to June 1st, 2018), and was therefore a candidate for classification through an automated scoring system. Utilizing variant allele frequency, disease prevalence and penetrance estimates, and inheritance mode, an automated score was calculated to assess if this variant is too frequent to cause the disease. Based on the score and internal cut-off values, a variant classified as likely benign is not then subjected to further curation. The score for this variant resulted in a classification of likely benign for this disease.

Illumina Laboratory Services, Illumina
Classification: Benign for Emery-Dreifuss muscular dystrophy 4, autosomal dominant. Last evaluated: 2018-01-12. Review status: criteria provided, single submitter. Criteria: ICSL Variant Classification Criteria 13 December 2019. Collection method: clinical testing. Allele origin: germline.
Comment: This variant was observed in the ICSL laboratory as part of a predisposition screen in an ostensibly healthy population. It had not been previously curated by ICSL or reported in the Human Gene Mutation Database (HGMD: prior to June 1st, 2018), and was therefore a candidate for classification through an automated scoring system. Utilizing variant allele frequency, disease prevalence and penetrance estimates, and inheritance mode, an automated score was calculated to assess if this variant is too frequent to cause the disease. Based on the score and internal cut-off values, a variant classified as benign is not then subjected to further curation. The score for this variant resulted in a classification of benign for this disease.

Eurofins Ntd Llc (ga)
Classification: Benign. Last evaluated: 2015-12-09. Review status: criteria provided, single submitter. Criteria: EGL Classification Definitions 2015. Collection method: clinical testing. Allele origin: germline. Observed: 16 variant alleles, 16 heterozygotes.

PreventionGenetics, part of Exact Sciences
Classification: Likely benign for SYNE1-related condition. Last evaluated: 2021-12-09. Review status: no assertion criteria provided. Collection method: clinical testing. Allele origin: germline. Not counted in ClinVar's aggregate classification.
Comment: This variant is classified as likely benign based on ACMG/AMP sequence variant interpretation guidelines (Richards et al. 2015 PMID: 25741868, with internal and published modifications).

Clinical Genetics DNA and cytogenetics Diagnostics Lab, Erasmus MC, Erasmus Medical Center
Classification: Likely benign. Review status: no assertion criteria provided. Collection method: clinical testing. Allele origin: germline. Affected: yes. Study: VKGL Data-share Consensus. Not counted in ClinVar's aggregate classification.

Diagnostic Laboratory, Department of Genetics, University Medical Center Groningen
Classification: Likely benign. Review status: no assertion criteria provided. Collection method: clinical testing. Allele origin: germline. Affected: yes. Study: VKGL Data-share Consensus. Not counted in ClinVar's aggregate classification.

Dr. Peter K. Rogan Lab, Western University
No classification provided (evidence only). Condition: Thyroid cancer, nonmedullary, 1. Review status: no classification provided. Collection method: in vitro. Allele origin: not applicable. Functional consequence: retained intron. Not counted in ClinVar's aggregate classification.

Dr. Peter K. Rogan Lab, Western University
No classification provided (evidence only). Condition: Thyroid cancer, nonmedullary, 1. Review status: no classification provided. Collection method: in vitro. Allele origin: not applicable. Functional consequence: retained intron. Not counted in ClinVar's aggregate classification.

Genome Diagnostics Laboratory, University Medical Center Utrecht
Classification: Likely benign. Review status: no assertion criteria provided. Collection method: clinical testing. Allele origin: germline. Affected: yes. Study: VKGL Data-share Consensus. Not counted in ClinVar's aggregate classification.

Laboratory of Diagnostic Genome Analysis, Leiden University Medical Center (LUMC)
Classification: Likely benign. Review status: no assertion criteria provided. Collection method: clinical testing. Allele origin: germline. Affected: yes. Study: VKGL Data-share Consensus. Not counted in ClinVar's aggregate classification.

Literature cited by the submitters: PubMed 30564623 (cited by Athena Diagnostics); PubMed 25214167 (cited by Athena Diagnostics).

NM_182961.4(SYNE1):c.5101G>T (p.Ala1701Ser)

Gene: SYNE1 (spectrin repeat containing nuclear envelope protein 1; minus strand). Cytogenetic location: 6q25.2.
Variant type: single nucleotide variant.
Coding change: c.5101G>T on transcript NM_182961.4 (MANE Select); coding-DNA position 5101, G replaced by T.
Protein change: p.Ala1701Ser; replaces alanine 1701 with serine.
Molecular consequence: missense variant.
Genome position (GRCh38, 1-based): chr6:152,425,547, C>A on the plus strand (G>T on the coding strand, the complement: SYNE1 is on the minus strand). VCF-style: chr6-152425547-C-A. GRCh37 (hg19) VCF-style: chr6-152746682-C-A.
Other names: p.Ala1708Ser; c.5122G>T, p.Ala1708Ser (NM_033071.5); short protein forms A1701S, A1708S.
Identifiers: ClinVar variation 197087 (VCV000197087.76), dbSNP rs149758808, ClinGen allele CA245029.